The following is an entry in ClinVar:

NM_000081.4(LYST):c.8801+14G>T

Gene: LYST (lysosomal trafficking regulator; minus strand). Cytogenetic location: 1q42.3.
Variant type: single nucleotide variant.
Coding change: c.8801+14G>T on transcript NM_000081.4 (MANE Select); 14 bases into the intron after coding-DNA position 8801, G replaced by T.
Molecular consequence: intron variant.
Genome position (GRCh38, 1-based): chr1:235,733,489, C>A on the plus strand (G>T on the coding strand, the complement: LYST is on the minus strand). VCF-style: chr1-235733489-C-A. GRCh37 (hg19) VCF-style: chr1-235896789-C-A.
Other names: c.8801+14G>T (NM_001301365.1).
Identifiers: ClinVar variation 2682592 (VCV002682592.4), dbSNP rs1328130006, ClinGen allele CA529472985.

ClinVar aggregate classification (germline): Likely benign. Review status: criteria provided, multiple submitters, no conflicts (2 of 4 stars). 2 submissions from 2 submitters: Likely benign (2). Last evaluated 2024-07-01.

Conditions:
Chédiak-Higashi syndrome (CHS). Also called: Chediak-Higashi Syndrome. Identifiers: Orphanet 167, MedGen C0007965, MONDO:0008963, OMIM 214500.

Allele frequency attached by ClinVar (database versions not stated): gnomAD exomes below 0.00001; gnomAD 0.00001; TOPMed 0.00001.
gnomAD v4.1: 7 of 1,611,448 alleles (0.00043%); highest among the groups gnomAD compares: African/African-American, 0.0013%; no homozygotes.

Submissions (2):

Labcorp Genetics (formerly Invitae), Labcorp
Classification: Likely benign for Chédiak-Higashi syndrome. Last evaluated: 2024-07-01. Review status: criteria provided, single submitter. Criteria: Invitae Variant Classification Sherloc (09022015). Collection method: clinical testing. Allele origin: germline.

Women's Health and Genetics/Laboratory Corporation of America, LabCorp
Classification: Likely benign. Last evaluated: 2023-11-17. Review status: criteria provided, single submitter. Criteria: LabCorp Variant Classification Summary - May 2015. Collection method: clinical testing. Allele origin: germline.
Comment: Variant summary: LYST c.8801+14G>T alters a non-conserved nucleotide located at a position not widely known to affect splicing. Consensus agreement among computation tools predict no significant impact on normal splicing. However, these predictions have yet to be confirmed by functional studies. The variant allele was found at a frequency of 4e-06 in 251208 control chromosomes. The available data on variant occurrences in the general population are insufficient to allow any conclusion about variant significance. To our knowledge, no occurrence of c.8801+14G>T in individuals affected with Chediak-Higashi Syndrome and no experimental evidence demonstrating its impact on protein function have been reported. No submitters have cited clinical-significance assessments for this variant to ClinVar after 2014. Based on the evidence outlined above, the variant was classified as likely benign.